The following is an entry in ClinVar:

NM_001267550.2(TTN):c.79639C>T (p.Arg26547Ter)

Genes: TTN-AS1 (TTN antisense RNA 1; plus strand), TTN (titin; minus strand). Cytogenetic location: 2q31.2.
Variant type: single nucleotide variant.
Coding change: c.79639C>T on transcript NM_001267550.2 (MANE Select); coding-DNA position 79639, C replaced by T.
Protein change: p.Arg26547Ter; replaces arginine 26547 with a stop codon.
Molecular consequence: nonsense.
Genome position (GRCh38, 1-based): chr2:178,566,493, G>A on the plus strand (C>T on the coding strand, the complement: TTN is on the minus strand). VCF-style: chr2-178566493-G-A. GRCh37 (hg19) VCF-style: chr2-179431220-G-A.
Other names: c.74716C>T, p.Arg24906Ter (NM_001256850.1); c.52444C>T, p.Arg17482Ter (NM_003319.4); c.71935C>T, p.Arg23979Ter (NM_133378.4); c.52819C>T, p.Arg17607Ter (NM_133432.3); c.53020C>T, p.Arg17674Ter (NM_133437.4); short protein forms R17607*, R24906*, R17674*, R26547*, R17482*, R23979*.
Identifiers: ClinVar variation 1904518 (VCV001904518.6), dbSNP rs2154165620, ClinGen allele CA349594513.
Genomic context (GRCh38, chr2:178,566,493, plus strand): 5'-TGAGGGCACAGACTCGTATTTTATACTCTTGGTGTTCAGTGAGTTTTGAAATTTCAAATC[G>A]AGTGACTCTCAGGCCAGTCTGTGGAGTAACTATTTGCCATTCTTCTTCATCTGCTTTACA-3'

ClinVar aggregate classification (germline): Likely pathogenic. Review status: criteria provided, multiple submitters, no conflicts (2 of 4 stars). 2 submissions from 2 submitters: Likely pathogenic (2). Last evaluated 2025-03-25.

Conditions:
Dilated cardiomyopathy 1G (CMD1G). Identifiers: Orphanet 154, MedGen C1858763, MONDO:0011400, OMIM 604145.
Autosomal recessive limb-girdle muscular dystrophy type 2J (LGMDR10). Also called: Limb-girdle muscular dystrophy, type 2J; MUSCULAR DYSTROPHY, LIMB-GIRDLE, AUTOSOMAL RECESSIVE 10. Identifiers: Orphanet 140922, MedGen C1837342, MONDO:0012127, OMIM 608807.

Allele frequency attached by ClinVar (database versions not stated): gnomAD exomes below 0.00001.
gnomAD v4.1: 2 of 1,613,384 alleles (0.00012%); highest among the groups gnomAD compares: Non-Finnish European, 0.00017%; no homozygotes.

Submissions (2):

Labcorp Genetics (formerly Invitae), Labcorp
Classification: Likely pathogenic for Dilated cardiomyopathy 1G; Autosomal recessive limb-girdle muscular dystrophy type 2J. Last evaluated: 2025-03-25. Review status: criteria provided, single submitter. Criteria: Invitae Variant Classification Sherloc (09022015). Collection method: clinical testing. Allele origin: germline.
Comment: This sequence change creates a premature translational stop signal (p.Arg26547*) in the TTN gene. While this is not anticipated to result in nonsense mediated decay, it is expected to create a truncated TTN protein. This variant is not present in population databases (gnomAD no frequency). This variant has not been reported in the literature in individuals affected with TTN-related conditions. ClinVar contains an entry for this variant (Variation ID: 1904518). This variant is located in the A band of TTN (PMID: 25589632). Truncating variants in this region are significantly overrepresented in patients affected with dilated cardiomyopathy (PMID: 25589632). Truncating variants in this region have also been reported in individuals affected with autosomal recessive centronuclear myopathy (PMID: 23975875). In summary, the currently available evidence indicates that the variant is pathogenic, but additional data are needed to prove that conclusively. Therefore, this variant has been classified as Likely Pathogenic.

GeneDx
Classification: Likely pathogenic. Last evaluated: 2023-01-17. Review status: criteria provided, single submitter. Criteria: GeneDx Variant Classification Process June 2021. Collection method: clinical testing. Allele origin: germline. Affected: yes.
Comment: Nonsense variant predicted to result in protein truncation or nonsense mediated decay in a gene for which loss of function is a known mechanism of disease; Located in the A-band region of TTN in which the majority of loss of function variants have been associated with autosomal dominant titinopathies (Herman et al., 2012); Not observed at significant frequency in large population cohorts (gnomAD); Has not been previously published as pathogenic or benign in association with a titinopathy to our knowledge; This variant is associated with the following publications: (PMID: 22335739, 35177841)

Literature cited by the submitters: PubMed 25589632 (cited by Labcorp Genetics (formerly Invitae), Labcorp); PubMed 23975875 (cited by Labcorp Genetics (formerly Invitae), Labcorp).